The following is an entry in ClinVar:

ClinVar aggregate classification (germline): Conflicting classifications of pathogenicity. Review status: criteria provided, conflicting classifications (1 of 4 stars). 2 submissions from 2 submitters: Likely pathogenic (1); Uncertain significance (1). Last evaluated 2025-11-18.

Submissions (2):

Labcorp Genetics (formerly Invitae), Labcorp
Classification: Likely pathogenic. Last evaluated: 2025-11-18. Review status: criteria provided, single submitter. Criteria: Invitae Variant Classification Sherloc (09022015). Collection method: clinical testing. Allele origin: germline.
Comment: This sequence change replaces asparagine, which is neutral and polar, with serine, which is neutral and polar, at codon 448 of the TWNK protein (p.Asn448Ser). This variant is present in population databases (no rsID available, gnomAD 0.006%). This missense change has been observed in individual(s) with clinical features of autosomal dominant progressive external ophthalmoplegia with mitochondrial DNA deletions (internal data). ClinVar contains an entry for this variant (Variation ID: 3699997). Invitae Evidence Modeling of protein sequence and biophysical properties (such as structural, functional, and spatial information, amino acid conservation, physicochemical variation, residue mobility, and thermodynamic stability) indicates that this missense variant is expected to disrupt TWNK protein function with a positive predictive value of 95%. This variant disrupts the p.Asn448 amino acid residue in TWNK. Other variant(s) that disrupt this residue have been determined to be pathogenic (PMID: 19705478). This suggests that this residue is clinically significant, and that variants that disrupt this residue are likely to be disease-causing. In summary, the currently available evidence indicates that the variant is pathogenic, but additional data are needed to prove that conclusively. Therefore, this variant has been classified as Likely Pathogenic.

GeneDx
Classification: Uncertain significance. Last evaluated: 2025-11-09. Review status: criteria provided, single submitter. Criteria: GeneDx Variant Classification Process June 2021. Collection method: clinical testing. Allele origin: germline. Affected: yes.
Comment: Has not been previously published as pathogenic or benign to our knowledge; In silico analysis supports that this missense variant has a deleterious effect on protein structure/function; This variant is associated with the following publications: (PMID: 19705478)

Literature cited by the submitters: PubMed 19705478 (cited by Labcorp Genetics (formerly Invitae), Labcorp).

NM_021830.5(TWNK):c.1343A>G (p.Asn448Ser)

Gene: TWNK (twinkle mtDNA helicase; plus strand). Cytogenetic location: 10q24.31.
Variant type: single nucleotide variant.
Coding change: c.1343A>G on transcript NM_021830.5 (MANE Select); coding-DNA position 1343, A replaced by G.
Protein change: p.Asn448Ser; replaces asparagine 448 with serine.
Molecular consequence: missense variant. On other transcripts: 5 prime UTR variant (3), non-coding transcript variant (5).
Genome position (GRCh38, 1-based): chr10:100,989,743, A>G. VCF-style: chr10-100989743-A-G. GRCh37 (hg19) VCF-style: chr10-102749500-A-G.
Other names: c.1343A>G (NM_021830.4); c.1343A>G, p.Asn448Ser (NM_001163812.2); c.-20A>G (NM_001163813.2, NM_001163814.2, NM_001368275.1); short protein forms N448S.
Identifiers: ClinVar variation 3699997 (VCV003699997.4).